The following is an entry in ClinVar:

NM_014855.3(AP5Z1):c.1775C>T (p.Pro592Leu)

Gene: AP5Z1 (adaptor related protein complex 5 subunit zeta 1; plus strand). Cytogenetic location: 7p22.1.
Variant type: single nucleotide variant.
Coding change: c.1775C>T on transcript NM_014855.3 (MANE Select); coding-DNA position 1775, C replaced by T.
Protein change: p.Pro592Leu; replaces proline 592 with leucine.
Molecular consequence: missense variant. On other transcripts: non-coding transcript variant (1).
Genome position (GRCh38, 1-based): chr7:4,789,899, C>T. VCF-style: chr7-4789899-C-T. GRCh37 (hg19) VCF-style: chr7-4829530-C-T.
Other names: c.1307C>T, p.Pro436Leu (NM_001364858.1); c.1775C>T, p.Pro592Leu (LRG_1247t1); short protein forms P592L, P436L.
Identifiers: ClinVar variation 663487 (VCV000663487.8), dbSNP rs781462204, ClinGen allele CA4138020.

ClinVar aggregate classification (germline): Uncertain significance (1 of 4 stars; one submission).

Conditions:
Hereditary spastic paraplegia 48. Also called: SPASTIC PARAPLEGIA 48, AUTOSOMAL RECESSIVE; Spastic paraplegia 48. Identifiers: Orphanet 306511, MedGen C3150901, MONDO:0013342, OMIM 613647.

Allele frequency attached by ClinVar (database versions not stated): gnomAD 0.00005 and 0.00006; ExAC 0.00006; TOPMed 0.00006; gnomAD exomes 0.00007.
gnomAD v4.1: 60 of 1,550,496 alleles (0.0039%); highest among the groups gnomAD compares: Middle Eastern, 0.051%; no homozygotes.

Submission:

Labcorp Genetics (formerly Invitae), Labcorp
Classification: Uncertain significance for Hereditary spastic paraplegia 48. Last evaluated: 2022-03-15. Review status: criteria provided, single submitter. Criteria: Invitae Variant Classification Sherloc (09022015). Collection method: clinical testing. Allele origin: germline.
Comment: This sequence change replaces proline, which is neutral and non-polar, with leucine, which is neutral and non-polar, at codon 592 of the AP5Z1 protein (p.Pro592Leu). The frequency data for this variant in the population databases is considered unreliable, as metrics indicate poor data quality at this position in the gnomAD database. This variant has not been reported in the literature in individuals affected with AP5Z1-related conditions. ClinVar contains an entry for this variant (Variation ID: 663487). Algorithms developed to predict the effect of missense changes on protein structure and function (SIFT, PolyPhen-2, Align-GVGD) all suggest that this variant is likely to be tolerated. In summary, the available evidence is currently insufficient to determine the role of this variant in disease. Therefore, it has been classified as a Variant of Uncertain Significance.